The following is an entry in ClinVar:

ClinVar aggregate classification (germline): Uncertain significance (1 of 4 stars; one submission).

Conditions:
Mevalonic aciduria (MEVA). Identifiers: Orphanet 29, MedGen C1959626, MONDO:0012481, OMIM 610377.
Porokeratosis 3, disseminated superficial actinic type (POROK3). Also called: POROKERATOSIS, DISSEMINATED SUPERFICIAL ACTINIC, 1; POROKERATOSIS 3, MULTIPLE TYPES; POROKERATOSIS 3, MIBELLI TYPE. Identifiers: MedGen C1867981, MONDO:0008293, OMIM 175900.
Hyperimmunoglobulin D with periodic fever (HIDS). Also called: HYPERIMMUNOGLOBULINEMIA D AND PERIODIC FEVER SYNDROME; Hyperimmunoglobulinemia D with periodic fever; Hyperimmunoglobulinemia D. Identifiers: Orphanet 343, MedGen C0398691, MONDO:0009849, OMIM 260920.

Allele frequency attached by ClinVar (database versions not stated): gnomAD exomes below 0.00001.
gnomAD v4.1: 1 of 1,614,186 alleles (0.000062%); highest among the groups gnomAD compares: Non-Finnish European, 0.000085%; no homozygotes.

Submission:

Labcorp Genetics (formerly Invitae), Labcorp
Classification: Uncertain significance for Mevalonic aciduria; Hyperimmunoglobulin D with periodic fever; Porokeratosis 3, disseminated superficial actinic type. Last evaluated: 2021-07-21. Review status: criteria provided, single submitter. Criteria: Invitae Variant Classification Sherloc (09022015). Collection method: clinical testing. Allele origin: germline.
Comment: In summary, the available evidence is currently insufficient to determine the role of this variant in disease. Therefore, it has been classified as a Variant of Uncertain Significance. Algorithms developed to predict the effect of missense changes on protein structure and function output the following: SIFT: "Tolerated"; PolyPhen-2: "Benign"; Align-GVGD: "Class C0". The lysine amino acid residue is found in multiple mammalian species, suggesting that this missense change does not adversely affect protein function. These predictions have not been confirmed by published functional studies and their clinical significance is uncertain. This variant has not been reported in the literature in individuals with MVK-related conditions. This variant is not present in population databases (ExAC no frequency). This sequence change replaces glutamic acid with lysine at codon 259 of the MVK protein (p.Glu259Lys). The glutamic acid residue is weakly conserved and there is a small physicochemical difference between glutamic acid and lysine.

NM_000431.4(MVK):c.775G>A (p.Glu259Lys)

Gene: MVK (mevalonate kinase; plus strand). Cytogenetic location: 12q24.11.
Variant type: single nucleotide variant.
Coding change: c.775G>A on transcript NM_000431.4 (MANE Select); coding-DNA position 775, G replaced by A.
Protein change: p.Glu259Lys; replaces glutamic acid 259 with lysine.
Molecular consequence: missense variant.
Genome position (GRCh38, 1-based): chr12:109,591,247, G>A. VCF-style: chr12-109591247-G-A. GRCh37 (hg19) VCF-style: chr12-110029052-G-A.
Other names: c.775G>A, p.Glu259Lys (NM_001114185.3); c.619G>A, p.Glu207Lys (NM_001301182.2); short protein forms E259K, E207K.
Identifiers: ClinVar variation 854659 (VCV000854659.9), dbSNP rs1885663402, ClinGen allele CA386649201.